The following is an entry in ClinVar:

NM_000388.4(CASR):c.2548G>A (p.Ala850Thr)

Gene: CASR (calcium sensing receptor; plus strand). Cytogenetic location: 3q21.1.
Variant type: single nucleotide variant.
Coding change: c.2548G>A on transcript NM_000388.4 (MANE Select); coding-DNA position 2548, G replaced by A.
Protein change: p.Ala850Thr; replaces alanine 850 with threonine.
Molecular consequence: missense variant.
Genome position (GRCh38, 1-based): chr3:122,284,502, G>A. VCF-style: chr3-122284502-G-A. GRCh37 (hg19) VCF-style: chr3-122003349-G-A.
Other names: c.2578G>A, p.Ala860Thr (NM_001178065.2); short protein forms A850T, A860T.
Identifiers: ClinVar variation 446994 (VCV000446994.15), dbSNP rs1418475623, ClinGen allele CA354160258.

ClinVar aggregate classification (germline): Uncertain significance. Review status: criteria provided, multiple submitters, no conflicts (2 of 4 stars). 4 submissions from 4 submitters: Uncertain significance (4). Last evaluated 2026-01-31.

Conditions:
Familial hypocalciuric hypercalcemia (FHH). Also called: Familial benign hypercalcemia. Identifiers: Orphanet 405, MedGen C1809471, MONDO:0018458.
Autosomal dominant hypocalcemia 1 (HYPOC1). Also called: HYPOCALCEMIA, FAMILIAL. Identifiers: MedGen C3715128, MONDO:0011013, OMIM 601198.
CASR-related disorder. Also called: CASR-related condition.
Nephrolithiasis/nephrocalcinosis. Identifiers: MedGen CN580796.

Allele frequency attached by ClinVar (database versions not stated): gnomAD exomes 0.00001; TOPMed 0.00002.
gnomAD v4.1: 8 of 1,613,360 alleles (0.0005%); highest among the groups gnomAD compares: Non-Finnish European, 0.00068%; no homozygotes.

Submissions (4):

PreventionGenetics, part of Exact Sciences
Classification: Uncertain significance for CASR-related condition. Last evaluated: 2026-01-31. Review status: criteria provided, single submitter. Criteria: ACMG Guidelines, 2015. Collection method: clinical testing. Allele origin: germline.
Comment: The CASR c.2548G>A variant is predicted to result in the amino acid substitution p.Ala850Thr. To our knowledge, this variant has not been reported in the literature. The p.Ala850 residue is highly conserved. The REVEL (rare exome variant ensemble learner) program predicts this variant is pathogenic at a "moderate" level (Ioannidis et al. 2016. PubMed ID: 27666373; Bergquist et al. 2024. PubMed ID: 39345488). Of note, a different substitution at the same codon, defined as c.2549C>G (p.Ala850Gly), has been reported alongside an intronic variant of uncertain significance (ClinVar Variation ID: 220116) in the MEN1 gene in an individual with recurrent parathyromatosis (Sapuppo et al. 2023. PubMed ID: 36998475). The c.2548G>A (p.Ala850Thr) variant is reported in 0.0018% of alleles in individuals of European (Non-Finnish) descent in gnomAD. At this time, the clinical significance of this variant is uncertain due to the absence of conclusive functional and genetic evidence.

Ambry Genetics
Classification: Uncertain significance for Nephrolithiasis/nephrocalcinosis. Last evaluated: 2023-11-03. Review status: criteria provided, single submitter. Criteria: Ambry Variant Classification Scheme 2023. Collection method: clinical testing. Allele origin: germline.
Comment: The p.A850T variant (also known as c.2548G>A), located in coding exon 6 of the CASR gene, results from a G to A substitution at nucleotide position 2548. The alanine at codon 850 is replaced by threonine, an amino acid with similar properties. This amino acid position is highly conserved in available vertebrate species. In addition, this alteration is predicted to be deleterious by in silico analysis. Since supporting evidence is limited at this time, the clinical significance of this alteration remains unclear.

Labcorp Genetics (formerly Invitae), Labcorp
Classification: Uncertain significance for Familial hypocalciuric hypercalcemia; Autosomal dominant hypocalcemia 1. Last evaluated: 2023-09-06. Review status: criteria provided, single submitter. Criteria: Invitae Variant Classification Sherloc (09022015). Collection method: clinical testing. Allele origin: germline.
Comment: In summary, the available evidence is currently insufficient to determine the role of this variant in disease. Therefore, it has been classified as a Variant of Uncertain Significance. An algorithm developed to predict the effect of missense changes on protein structure and function (PolyPhen-2) suggests that this variant is likely to be disruptive. ClinVar contains an entry for this variant (Variation ID: 446994). This variant has not been reported in the literature in individuals affected with CASR-related conditions. This variant is present in population databases (no rsID available, gnomAD 0.002%). This sequence change replaces alanine, which is neutral and non-polar, with threonine, which is neutral and polar, at codon 850 of the CASR protein (p.Ala850Thr).

Athena Diagnostics
Classification: Uncertain significance. Last evaluated: 2016-10-12. Review status: criteria provided, single submitter. Criteria: Athena Diagnostics Criteria. Collection method: clinical testing. Allele origin: germline.